The following is an entry in ClinVar:

ClinVar aggregate classification (germline): Conflicting classifications of pathogenicity. Review status: criteria provided, conflicting classifications (1 of 4 stars). 2 submissions from 2 submitters: Uncertain significance (1); Likely benign (1). Last evaluated 2025-11-08.

Conditions:
Palmoplantar keratoderma-esophageal carcinoma syndrome (TOC). Also called: PALMOPLANTAR KERATODERMA WITH ESOPHAGEAL CANCER; KERATOSIS PALMARIS ET PLANTARIS WITH ESOPHAGEAL CANCER; Tylosis with Esophageal Cancer. Identifiers: Orphanet 2198, MedGen C1835664, MONDO:0007856, OMIM 148500.

Allele frequency attached by ClinVar (database versions not stated): ESP Exome Variant Server 0.00046.
gnomAD v4.1: 136 of 1,613,758 alleles (0.0084%); highest among the groups gnomAD compares: African/African-American, 0.15%; no homozygotes.

Submissions (2):

Labcorp Genetics (formerly Invitae), Labcorp
Classification: Likely benign. Last evaluated: 2025-11-08. Review status: criteria provided, single submitter. Criteria: Invitae Variant Classification Sherloc (09022015). Collection method: clinical testing. Allele origin: germline.

Baylor Genetics
Classification: Uncertain significance for Palmoplantar keratoderma-esophageal carcinoma syndrome. Last evaluated: 2019-03-18. Review status: criteria provided, single submitter. Criteria: ACMG Guidelines, 2015. Collection method: clinical testing. Allele origin: unknown. Affected: yes. Study: CSER-TexasKidsCanSeq.
Comment: This variant was determined to be of uncertain significance according to ACMG Guidelines, 2015 [PMID:25741868].

NM_001005498.4(RHBDF2):c.956G>A (p.Arg319Gln)

Gene: RHBDF2 (rhomboid 5 homolog 2; minus strand). Cytogenetic location: 17q25.1.
Variant type: single nucleotide variant.
Coding change: c.956G>A on transcript NM_001005498.4 (MANE Select); coding-DNA position 956, G replaced by A.
Protein change: p.Arg319Gln; replaces arginine 319 with glutamine.
Molecular consequence: missense variant. On other transcripts: non-coding transcript variant (3).
Genome position (GRCh38, 1-based): chr17:76,476,989, C>T on the plus strand (G>A on the coding strand, the complement: RHBDF2 is on the minus strand). VCF-style: chr17-76476989-C-T. GRCh37 (hg19) VCF-style: chr17-74473071-C-T.
Other names: c.956G>A, p.Arg319Gln (NM_001376228.1, NM_001376229.1, NM_001376230.1); c.1043G>A, p.Arg348Gln (NM_024599.5); short protein forms R319Q, R348Q.
Identifiers: ClinVar variation 997552 (VCV000997552.4), dbSNP rs149436907, ClinGen allele CA8787164.